The following is an entry in ClinVar:

ClinVar aggregate classification (germline): Likely benign (1 of 4 stars; one submission).

Allele frequency attached by ClinVar (database versions not stated): TOPMed 0.00002.
gnomAD v4.1: 6 of 1,614,084 alleles (0.00037%); highest among the groups gnomAD compares: Admixed American, 0.0067%; no homozygotes.

Submission:

GeneDx
Classification: Likely benign. Last evaluated: 2018-04-19. Review status: criteria provided, single submitter. Criteria: GeneDx Variant Classification (06012015). Collection method: clinical testing. Allele origin: germline. Affected: yes.
Comment: This variant is considered likely benign or benign based on one or more of the following criteria: it is a conservative change, it occurs at a poorly conserved position in the protein, it is predicted to be benign by multiple in silico algorithms, and/or has population frequency not consistent with disease.

NM_144736.5(NDUFAF7):c.-11C>T

Genes: NDUFAF7 (NADH:ubiquinone oxidoreductase complex assembly factor 7; plus strand), LOC126806192 (CDK7 strongly-dependent group 2 enhancer GRCh37_chr2:37458084-37459283; plus strand). Cytogenetic location: 2p22.2.
Variant type: single nucleotide variant.
Coding change: c.-11C>T on transcript NM_144736.5 (MANE Select); 11 bases upstream of the start codon, C replaced by T.
Molecular consequence: 5 prime UTR variant. On other transcripts: non-coding transcript variant (10).
Genome position (GRCh38, 1-based): chr2:37,231,695, C>T. VCF-style: chr2-37231695-C-T. GRCh37 (hg19) VCF-style: chr2-37458838-C-T.
Other names: c.-11C>T (NM_001083946.2, NM_001350024.2, NM_001350025.2 and 1 more transcripts).
Identifiers: ClinVar variation 681600 (VCV000681600.1), dbSNP rs770930117, ClinGen allele CA1616967.